The following is an entry in ClinVar:

NM_001105206.3(LAMA4):c.5327-3C>T

Gene: LAMA4 (laminin subunit alpha 4; minus strand). Cytogenetic location: 6q21.
Variant type: single nucleotide variant.
Coding change: c.5327-3C>T on transcript NM_001105206.3 (MANE Select); 3 bases into the intron before coding-DNA position 5327, C replaced by T.
Molecular consequence: intron variant.
Genome position (GRCh38, 1-based): chr6:112,109,585, G>A on the plus strand (C>T on the coding strand, the complement: LAMA4 is on the minus strand). VCF-style: chr6-112109585-G-A. GRCh37 (hg19) VCF-style: chr6-112430788-G-A.
Other names: c.5306-3C>T (NM_002290.5, NM_001105207.3).
Identifiers: ClinVar variation 2845553 (VCV002845553.3), dbSNP rs2546957358, ClinGen allele CA2739266051.
Genomic context (GRCh38, chr6:112,109,585, plus strand): 5'-TGGCGTATGCAGCCTGTGAAGGGTTTGCTGGGGGCCAAGCGTGGTGTCAGTAGAGATTCT[G>A]AAAAGAGCAAGAAATAAAAACAAAGATTGCAATTGAGGTATTCCAAGCCCAAATATTACT-3'

ClinVar aggregate classification (germline): Uncertain significance (1 of 4 stars; one submission).

Conditions:
Dilated cardiomyopathy 1JJ (CMD1JJ). Identifiers: Orphanet 154, MedGen C3808935, MONDO:0014095, OMIM 615235.

Submission:

Labcorp Genetics (formerly Invitae), Labcorp
Classification: Uncertain significance for Dilated cardiomyopathy 1JJ. Last evaluated: 2023-03-14. Review status: criteria provided, single submitter. Criteria: Invitae Variant Classification Sherloc (09022015). Collection method: clinical testing. Allele origin: germline.
Comment: This variant is not present in population databases (gnomAD no frequency). In summary, the available evidence is currently insufficient to determine the role of this variant in disease. Therefore, it has been classified as a Variant of Uncertain Significance. Variants that disrupt the consensus splice site are a relatively common cause of aberrant splicing (PMID: 17576681, 9536098). Algorithms developed to predict the effect of sequence changes on RNA splicing suggest that this variant is not likely to affect RNA splicing. This variant has not been reported in the literature in individuals affected with LAMA4-related conditions. This sequence change falls in intron 38 of the LAMA4 gene. It does not directly change the encoded amino acid sequence of the LAMA4 protein. It affects a nucleotide within the consensus splice site.

Literature cited by the submitters: PubMed 17576681; PubMed 9536098.